The following is an entry in ClinVar:

NM_000350.3(ABCA4):c.1906C>A (p.Gln636Lys)

Gene: ABCA4 (ATP binding cassette subfamily A member 4; minus strand). Cytogenetic location: 1p22.1.
Variant type: single nucleotide variant.
Coding change: c.1906C>A on transcript NM_000350.3 (MANE Select); coding-DNA position 1906, C replaced by A.
Protein change: p.Gln636Lys; replaces glutamine 636 with lysine.
Molecular consequence: missense variant.
Genome position (GRCh38, 1-based): chr1:94,062,608, G>T on the plus strand (C>A on the coding strand, the complement: ABCA4 is on the minus strand). VCF-style: chr1-94062608-G-T. GRCh37 (hg19) VCF-style: chr1-94528164-G-T.
Other names: c.1906C>A, p.Gln636Lys (NM_001425324.1); short protein forms Q636K.
Identifiers: ClinVar variation 2202801 (VCV002202801.7), dbSNP rs145961131, ClinGen allele CA341279281.

ClinVar aggregate classification (germline): Pathogenic/Likely pathogenic. Review status: criteria provided, multiple submitters, no conflicts (2 of 4 stars). 3 submissions from 3 submitters: Pathogenic (2); Likely pathogenic (1). Last evaluated 2025-10-29.

Conditions:
Severe early-childhood-onset retinal dystrophy (STGD1). Also called: Stargardt macular dystrophy; Juvenile onset macular degeneration; Stargardt disease 1; MACULAR DYSTROPHY WITH FLECKS, TYPE 1; STGD. Identifiers: Orphanet 364055, Orphanet 827, MedGen C1855465, MeSH D000080362, MONDO:0009549, OMIM 248200.
ABCA4-related disorder. Also called: ABCA4-related condition; ABCA4-related disorders. Identifiers: MedGen CN239167.

gnomAD v4.1: 1 of 1,614,140 alleles (0.000062%); highest among the groups gnomAD compares: East Asian, 0.0022%; no homozygotes.

Submissions (3):

3billion
Classification: Pathogenic for Severe early-childhood-onset retinal dystrophy. Last evaluated: 2025-10-29. Review status: criteria provided, single submitter. Criteria: ACMG Guidelines, 2015. Collection method: clinical testing. Allele origin: germline. Affected: yes.
Comment: The variant is observed at an extremely low frequency in the gnomAD v4.1.0 dataset (total allele frequency: <0.001%). Predicted Consequence/Location: Missense variant In silico tool predictions suggest damaging effect of the variant on gene or gene product [REVEL: 0.84 (>=0.6, sensitivity 0.68 and specificity 0.92); 3Cnet: 0.98 (> 0.75, sensitivity 0.96 and precision 0.92)]. The same nucleotide change resulting in the same amino acid change has been previously reported as pathogenic/likely pathogenic with strong evidence (ClinVar ID: VCV002202801 /PMID: 26780318 /3billion dataset). The variant has been reported to be in trans with a pathogenic variant as either compound heterozygous or homozygous in at least one similarly affected unrelated individual (PMID: 31814693). A different missense change at the same codon (p.Gln636His) has been reported as pathogenic/likely pathogenic with strong evidence (ClinVar ID: VCV000099097 /PMID: 9781034). Therefore, this variant is classified as Pathogenic according to the recommendation of ACMG/AMP guideline.

Labcorp Genetics (formerly Invitae), Labcorp
Classification: Pathogenic. Last evaluated: 2022-09-06. Review status: criteria provided, single submitter. Criteria: Invitae Variant Classification Sherloc (09022015). Collection method: clinical testing. Allele origin: germline.
Comment: For these reasons, this variant has been classified as Pathogenic. This variant disrupts the p.Gln636 amino acid residue in ABCA4. Other variant(s) that disrupt this residue have been determined to be pathogenic (PMID: 9781034, 19217903, 24677105, 28327576). This suggests that this residue is clinically significant, and that variants that disrupt this residue are likely to be disease-causing. Advanced modeling of protein sequence and biophysical properties (such as structural, functional, and spatial information, amino acid conservation, physicochemical variation, residue mobility, and thermodynamic stability) performed at Invitae indicates that this missense variant is expected to disrupt ABCA4 protein function. This missense change has been observed in individual(s) with ABCA4-related conditions (PMID: 31543898, 31814693). It has also been observed to segregate with disease in related individuals. This variant is not present in population databases (gnomAD no frequency). This sequence change replaces glutamine, which is neutral and polar, with lysine, which is basic and polar, at codon 636 of the ABCA4 protein (p.Gln636Lys).

Blueprint Genetics
Classification: Likely pathogenic for ABCA4-related disorders. Last evaluated: 2022-05-25. Review status: criteria provided, single submitter. Criteria: ACMG Guidelines, 2015. Collection method: clinical testing. Allele origin: germline. Affected: yes. Observed: 2 variant alleles.

Literature cited by the submitters: PubMed 31814693 (cited by 3billion and Labcorp Genetics (formerly Invitae), Labcorp); PubMed 26780318 (cited by 3billion); PubMed 9781034 (cited by 3billion and Labcorp Genetics (formerly Invitae), Labcorp); PubMed 19217903 (cited by Labcorp Genetics (formerly Invitae), Labcorp); PubMed 24677105 (cited by Labcorp Genetics (formerly Invitae), Labcorp); PubMed 28327576 (cited by Labcorp Genetics (formerly Invitae), Labcorp); PubMed 31543898 (cited by Labcorp Genetics (formerly Invitae), Labcorp).